The following is an entry in ClinVar:

ClinVar aggregate classification (germline): Uncertain significance. Review status: criteria provided, multiple submitters, no conflicts (2 of 4 stars). 4 submissions from 4 submitters: Uncertain significance (4). Last evaluated 2024-07-29.

Conditions:
Inborn genetic diseases. Identifiers: MedGen C0950123, MeSH D030342.

Allele frequency attached by ClinVar (database versions not stated): gnomAD exomes below 0.00001 and 0.00002; ExAC 0.00001; gnomAD 0.00001; TOPMed 0.00001.
gnomAD v4.1: 46 of 1,614,010 alleles (0.0029%); highest among the groups gnomAD compares: Middle Eastern, 0.049%; 2 homozygotes.

Submissions (4):

Blueprint Genetics
Classification: Uncertain significance. Last evaluated: 2024-07-29. Review status: criteria provided, single submitter. Criteria: ACMG Guidelines, 2015. Collection method: clinical testing. Allele origin: germline.

Ambry Genetics
Classification: Uncertain significance for Inborn genetic diseases. Last evaluated: 2022-09-28. Review status: criteria provided, single submitter. Criteria: Ambry Variant Classification Scheme 2023. Collection method: clinical testing. Allele origin: germline.

GeneDx
Classification: Uncertain significance. Last evaluated: 2021-02-09. Review status: criteria provided, single submitter. Criteria: GeneDx Variant Classification Process June 2021. Collection method: clinical testing. Allele origin: germline. Affected: yes.
Comment: Has not been previously published as pathogenic or benign to our knowledge; In silico analysis, which includes protein predictors and evolutionary conservation, supports a deleterious effect; Not observed at a significant frequency in large population cohorts (Lek et al., 2016)

Genetic Services Laboratory, University of Chicago
Classification: Uncertain significance. Last evaluated: 2017-04-10. Review status: criteria provided, single submitter. Criteria: ACMG Guidelines, 2015. Collection method: clinical testing. Allele origin: germline. Affected: no.

NM_017721.5(CC2D1A):c.1996A>G (p.Asn666Asp)

Gene: CC2D1A (coiled-coil and C2 domain containing 1A; plus strand). Cytogenetic location: 19p13.12.
Variant type: single nucleotide variant.
Coding change: c.1996A>G on transcript NM_017721.5 (MANE Select); coding-DNA position 1996, A replaced by G.
Protein change: p.Asn666Asp; replaces asparagine 666 with aspartic acid.
Molecular consequence: missense variant.
Genome position (GRCh38, 1-based): chr19:13,926,572, A>G. VCF-style: chr19-13926572-A-G. GRCh37 (hg19) VCF-style: chr19-14037385-A-G.
Other names: short protein forms N666D.
Identifiers: ClinVar variation 434610 (VCV000434610.11), dbSNP rs747760233, ClinGen allele CA9244889.